The following is an entry in ClinVar:

NM_004984.4(KIF5A):c.334A>G (p.Ile112Val)

Gene: KIF5A (kinesin family member 5A; plus strand). Cytogenetic location: 12q13.3.
Variant type: single nucleotide variant.
Coding change: c.334A>G on transcript NM_004984.4 (MANE Select); coding-DNA position 334, A replaced by G.
Protein change: p.Ile112Val; replaces isoleucine 112 with valine.
Molecular consequence: missense variant. On other transcripts: intron variant (1).
Genome position (GRCh38, 1-based): chr12:57,564,150, A>G. VCF-style: chr12-57564150-A-G. GRCh37 (hg19) VCF-style: chr12-57957933-A-G.
Other names: c.130-310A>G (NM_001354705.2); short protein forms I112V.
Identifiers: ClinVar variation 2975579 (VCV002975579.3), dbSNP rs762474618, ClinGen allele CA6652564.

ClinVar aggregate classification (germline): Uncertain significance (1 of 4 stars; one submission).

Conditions:
Spastic paraplegia. Identifiers: MedGen C0037772, HP:0001258.

Allele frequency attached by ClinVar (database versions not stated): TOPMed below 0.00001; ExAC 0.00001; gnomAD exomes 0.00001.
gnomAD v4.1: 3 of 1,614,104 alleles (0.00019%); highest among the groups gnomAD compares: Non-Finnish European, 0.00025%; no homozygotes.

Submission:

Labcorp Genetics (formerly Invitae), Labcorp
Classification: Uncertain significance for Spastic paraplegia. Last evaluated: 2023-11-11. Review status: criteria provided, single submitter. Criteria: Invitae Variant Classification Sherloc (09022015). Collection method: clinical testing. Allele origin: germline.
Comment: This sequence change replaces isoleucine, which is neutral and non-polar, with valine, which is neutral and non-polar, at codon 112 of the KIF5A protein (p.Ile112Val). This variant is present in population databases (rs762474618, gnomAD 0.0009%). This variant has not been reported in the literature in individuals affected with KIF5A-related conditions. Advanced modeling of protein sequence and biophysical properties (such as structural, functional, and spatial information, amino acid conservation, physicochemical variation, residue mobility, and thermodynamic stability) has been performed at Invitae for this missense variant, however the output from this modeling did not meet the statistical confidence thresholds required to predict the impact of this variant on KIF5A protein function. In summary, the available evidence is currently insufficient to determine the role of this variant in disease. Therefore, it has been classified as a Variant of Uncertain Significance.